The following is an entry in ClinVar:

ClinVar aggregate classification (germline): Uncertain significance. Review status: criteria provided, multiple submitters, no conflicts (2 of 4 stars). 2 submissions from 2 submitters: Uncertain significance (2). Last evaluated 2023-10-25.

Conditions:
Inborn genetic diseases. Identifiers: MedGen C0950123, MeSH D030342.
Congenital myasthenic syndrome 8. Also called: Myasthenic syndrome, congenital, 8, with pre- and postsynaptic defects; MYASTHENIC SYNDROME, CONGENITAL, DUE TO AGRIN DEFICIENCY. Identifiers: Orphanet 590, MedGen C3808739, MONDO:0014052, OMIM 615120.

Allele frequency attached by ClinVar (database versions not stated): gnomAD 0.00002 and 0.00003; gnomAD exomes 0.00002 and 0.00006; TOPMed 0.00003; ExAC 0.00004; 1000 Genomes Project 30x 0.00016; 1000 Genomes Project 0.00020.
gnomAD v4.1: 37 of 1,600,624 alleles (0.0023%); highest among the groups gnomAD compares: East Asian, 0.0045%; no homozygotes.

Submissions (2):

Ambry Genetics
Classification: Uncertain significance for Inborn genetic diseases. Last evaluated: 2023-10-25. Review status: criteria provided, single submitter. Criteria: Ambry Variant Classification Scheme 2023. Collection method: clinical testing. Allele origin: germline.

Labcorp Genetics (formerly Invitae), Labcorp
Classification: Uncertain significance for Congenital myasthenic syndrome 8. Last evaluated: 2022-05-19. Review status: criteria provided, single submitter. Criteria: Invitae Variant Classification Sherloc (09022015). Collection method: clinical testing. Allele origin: germline.
Comment: This sequence change replaces serine, which is neutral and polar, with asparagine, which is neutral and polar, at codon 590 of the AGRN protein (p.Ser590Asn). This variant is present in population databases (rs199963653, gnomAD 0.08%). This variant has not been reported in the literature in individuals affected with AGRN-related conditions. ClinVar contains an entry for this variant (Variation ID: 640586). Algorithms developed to predict the effect of missense changes on protein structure and function output the following: SIFT: "Tolerated"; PolyPhen-2: "Benign"; Align-GVGD: "Class C0". The asparagine amino acid residue is found in multiple mammalian species, which suggests that this missense change does not adversely affect protein function. In summary, the available evidence is currently insufficient to determine the role of this variant in disease. Therefore, it has been classified as a Variant of Uncertain Significance.

NM_198576.4(AGRN):c.1769G>A (p.Ser590Asn)

Gene: AGRN (agrin; plus strand). Cytogenetic location: 1p36.33.
Variant type: single nucleotide variant.
Coding change: c.1769G>A on transcript NM_198576.4 (MANE Select); coding-DNA position 1769, G replaced by A.
Protein change: p.Ser590Asn; replaces serine 590 with asparagine.
Molecular consequence: missense variant.
Genome position (GRCh38, 1-based): chr1:1,043,703, G>A. VCF-style: chr1-1043703-G-A. GRCh37 (hg19) VCF-style: chr1-979083-G-A.
Other names: c.1769G>A, p.Ser590Asn (NM_001305275.2); c.1454G>A, p.Ser485Asn (NM_001364727.2); short protein forms S485N, S590N.
Identifiers: ClinVar variation 640586 (VCV000640586.6), dbSNP rs199963653, ClinGen allele CA508316.
Genomic context (GRCh38, chr1:1,043,703, plus strand): 5'-ACGGGCACACGTACCCCAGCGAGTGCATGCTGCACGTGCACGCCTGCACACACCAGATCA[G>A]CCTGCACGTGGCCTCAGCTGGACCCTGTGGTGAGTGAGGCCCTGGGGCCGGGCGGGCCAG-3'
Protein context (NP_940978.2, residues 580-600): LHVHACTHQI[Ser590Asn]LHVASAGPCE